The following is an entry in ClinVar:

ClinVar aggregate classification (germline): Uncertain significance (1 of 4 stars; one submission).

Allele frequency attached by ClinVar (database versions not stated): gnomAD exomes below 0.00001; gnomAD 0.00001.
gnomAD v4.1: 2 of 1,611,362 alleles (0.00012%); highest among the groups gnomAD compares: Non-Finnish European, 0.00017%; no homozygotes.

Submission:

Labcorp Genetics (formerly Invitae), Labcorp
Classification: Uncertain significance. Last evaluated: 2022-01-17. Review status: criteria provided, single submitter. Criteria: Invitae Variant Classification Sherloc (09022015). Collection method: clinical testing. Allele origin: germline.
Comment: In summary, the available evidence is currently insufficient to determine the role of this variant in disease. Therefore, it has been classified as a Variant of Uncertain Significance. Algorithms developed to predict the effect of missense changes on protein structure and function (SIFT, PolyPhen-2, Align-GVGD) all suggest that this variant is likely to be tolerated. This variant has not been reported in the literature in individuals affected with LAMA5-related conditions. This variant is not present in population databases (gnomAD no frequency). This sequence change replaces valine, which is neutral and non-polar, with alanine, which is neutral and non-polar, at codon 3549 of the LAMA5 protein (p.Val3549Ala).

NM_005560.6(LAMA5):c.10646T>C (p.Val3549Ala)

Gene: LAMA5 (laminin subunit alpha 5; minus strand). Cytogenetic location: 20q13.33.
Variant type: single nucleotide variant.
Coding change: c.10646T>C on transcript NM_005560.6 (MANE Select); coding-DNA position 10646, T replaced by C.
Protein change: p.Val3549Ala; replaces valine 3549 with alanine.
Molecular consequence: missense variant.
Genome position (GRCh38, 1-based): chr20:62,310,266, A>G on the plus strand (T>C on the coding strand, the complement: LAMA5 is on the minus strand). VCF-style: chr20-62310266-A-G. GRCh37 (hg19) VCF-style: chr20-60885322-A-G.
Other names: short protein forms V3549A.
Identifiers: ClinVar variation 1952706 (VCV001952706.5), dbSNP rs1986084826, ClinGen allele CA409535108.